The following is an entry in ClinVar:

NM_152383.5(DIS3L2):c.1856G>A (p.Ser619Asn)

Gene: DIS3L2 (DIS3 like 3'-5' exoribonuclease 2; plus strand). Cytogenetic location: 2q37.1.
Variant type: single nucleotide variant.
Coding change: c.1856G>A on transcript NM_152383.5 (MANE Select); coding-DNA position 1856, G replaced by A.
Protein change: p.Ser619Asn; replaces serine 619 with asparagine.
Molecular consequence: missense variant. On other transcripts: non-coding transcript variant (2), intron variant (1).
Genome position (GRCh38, 1-based): chr2:232,329,929, G>A. VCF-style: chr2-232329929-G-A. GRCh37 (hg19) VCF-style: chr2-233194639-G-A.
Other names: c.1582-13416G>A (NM_001257281.2); short protein forms S619N.
Identifiers: ClinVar variation 897466 (VCV000897466.13), dbSNP rs752063922, ClinGen allele CA2164289.

ClinVar aggregate classification (germline): Uncertain significance. Review status: criteria provided, multiple submitters, no conflicts (2 of 4 stars). 3 submissions from 3 submitters: Uncertain significance (3). Last evaluated 2024-10-09.

Conditions:
Perlman syndrome (PRLMNS). Identifiers: Orphanet 2849, MedGen C0796113, MONDO:0009965, OMIM 267000.

Allele frequency attached by ClinVar (database versions not stated): gnomAD exomes 0.00001; ExAC 0.00002.
gnomAD v4.1: 15 of 1,613,260 alleles (0.00093%); highest among the groups gnomAD compares: East Asian, 0.031%; no homozygotes.

Submissions (3):

Labcorp Genetics (formerly Invitae), Labcorp
Classification: Uncertain significance for Perlman syndrome. Last evaluated: 2024-10-09. Review status: criteria provided, single submitter. Criteria: Invitae Variant Classification Sherloc (09022015). Collection method: clinical testing. Allele origin: germline.
Comment: This sequence change replaces serine, which is neutral and polar, with asparagine, which is neutral and polar, at codon 619 of the DIS3L2 protein (p.Ser619Asn). This variant is present in population databases (rs752063922, gnomAD 0.01%). This variant has not been reported in the literature in individuals affected with DIS3L2-related conditions. ClinVar contains an entry for this variant (Variation ID: 897466). Invitae Evidence Modeling of protein sequence and biophysical properties (such as structural, functional, and spatial information, amino acid conservation, physicochemical variation, residue mobility, and thermodynamic stability) indicates that this missense variant is not expected to disrupt DIS3L2 protein function with a negative predictive value of 80%. In summary, the available evidence is currently insufficient to determine the role of this variant in disease. Therefore, it has been classified as a Variant of Uncertain Significance.

Fulgent Genetics
Classification: Uncertain significance for Perlman syndrome. Last evaluated: 2024-05-14. Review status: criteria provided, single submitter. Criteria: ACMG Guidelines, 2015. Collection method: clinical testing. Allele origin: germline.

Illumina Laboratory Services, Illumina
Classification: Uncertain significance for Perlman syndrome. Last evaluated: 2018-01-12. Review status: criteria provided, single submitter. Criteria: ICSL Variant Classification Criteria 13 December 2019. Collection method: clinical testing. Allele origin: germline.